The following is an entry in ClinVar:

NM_197968.4(ZMYM2):c.3732del (p.Phe1244fs)

Gene: ZMYM2 (zinc finger MYM-type containing 2; plus strand). Cytogenetic location: 13q12.11.
Variant type: Deletion.
Coding change: c.3732del on transcript NM_197968.4 (MANE Select); coding-DNA position 3732, one base deleted (T; older notation c.3732delT).
Protein change: p.Phe1244fs; shifts the reading frame from phenylalanine 1244.
Molecular consequence: frameshift variant. On other transcripts: non-coding transcript variant (1).
Genome position (GRCh38, 1-based): chr13:20,082,944, T deleted; the last of 3 consecutive T bases (chr13:20,082,942-20,082,944); deleting any one gives the same sequence. VCF-style (leftmost placement, unchanged base first): chr13-20082941-GT-G. GRCh37 (hg19) VCF-style: chr13-20657081-GT-G.
Other names: c.3732del, p.Phe1244fs (NM_001190964.4, NM_001190965.4, NM_001353157.2 and 4 more transcripts); c.3537del, p.Phe1179fs (NM_001353161.3); c.3471del, p.Phe1157fs (NM_001353163.2); short protein forms F1179fs, F1157fs, F1244fs.
Identifiers: ClinVar variation 3985220 (VCV003985220.1).
Genomic context (GRCh38, chr13:20,082,941, plus strand): 5'-CACTAAGTATTTTGGCCTGAAAACAGTGGAACAACACTTAAGACTTTCCTTTGGCACTGT[GT>G]TTAGGCATTGGAAAAAAAATCCTTTAACGATGGAAAACAAAGCGTGTCTTCGATACCAAG-3'

ClinVar aggregate classification (germline): Pathogenic (1 of 4 stars; one submission).

Conditions:
Inborn genetic diseases. Identifiers: MedGen C0950123, MeSH D030342.

Submission:

Ambry Genetics
Classification: Pathogenic for Inborn genetic diseases. Last evaluated: 2025-03-17. Review status: criteria provided, single submitter. Criteria: Ambry Variant Classification Scheme 2023. Collection method: clinical testing. Allele origin: germline.
Comment: The c.3732delT (p.F1244Lfs*9) alteration, located in exon 24 (coding exon 21) of the ZMYM2 gene, consists of a deletion of one nucleotide at position 3732, causing a translational frameshift with a predicted alternate stop codon after 9 amino acids. This alteration is expected to result in loss of function by premature protein truncation or nonsense-mediated mRNA decay. This variant was not reported in population-based cohorts in the Genome Aggregation Database (gnomAD). Based on the available evidence, this alteration is classified as pathogenic.